The following is an entry in ClinVar:

ClinVar aggregate classification (germline): Uncertain significance. Review status: criteria provided, multiple submitters, no conflicts (2 of 4 stars). 2 submissions from 2 submitters: Uncertain significance (2). Last evaluated 2026-05-27.

Conditions:
Inborn genetic diseases. Identifiers: MedGen C0950123, MeSH D030342.
Fanconi anemia (FA). Also called: Fanconi's anemia. Identifiers: Orphanet 84, MedGen C0015625, MeSH D005199, MONDO:0019391.

Submissions (2):

Ambry Genetics
Classification: Uncertain significance for Inborn genetic diseases. Last evaluated: 2026-05-27. Review status: criteria provided, single submitter. Criteria: Ambry Variant Classification Scheme 2023. Collection method: clinical testing. Allele origin: germline.
Comment: The p.A586V variant (also known as c.1757C>T), located in coding exon 19 of the FANCA gene, results from a C to T substitution at nucleotide position 1757. The alanine at codon 586 is replaced by valine, an amino acid with similar properties. This amino acid position is conserved. In addition, the in silico prediction for this alteration is inconclusive. Based on the available evidence, the clinical significance of this variant remains unclear.

Labcorp Genetics (formerly Invitae), Labcorp
Classification: Uncertain significance for Fanconi anemia. Last evaluated: 2022-10-09. Review status: criteria provided, single submitter. Criteria: Invitae Variant Classification Sherloc (09022015). Collection method: clinical testing. Allele origin: germline.
Comment: In summary, the available evidence is currently insufficient to determine the role of this variant in disease. Therefore, it has been classified as a Variant of Uncertain Significance. Advanced modeling of protein sequence and biophysical properties (such as structural, functional, and spatial information, amino acid conservation, physicochemical variation, residue mobility, and thermodynamic stability) performed at Invitae indicates that this missense variant is not expected to disrupt FANCA protein function. This variant has not been reported in the literature in individuals affected with FANCA-related conditions. This variant is not present in population databases (gnomAD no frequency). This sequence change replaces alanine, which is neutral and non-polar, with valine, which is neutral and non-polar, at codon 586 of the FANCA protein (p.Ala586Val).

NM_000135.4(FANCA):c.1757C>T (p.Ala586Val)

Gene: FANCA (FA complementation group A; minus strand). Cytogenetic location: 16q24.3.
Variant type: single nucleotide variant.
Coding change: c.1757C>T on transcript NM_000135.4 (MANE Select); coding-DNA position 1757, C replaced by T.
Protein change: p.Ala586Val; replaces alanine 586 with valine.
Molecular consequence: missense variant.
Genome position (GRCh38, 1-based): chr16:89,778,962, G>A on the plus strand (C>T on the coding strand, the complement: FANCA is on the minus strand). VCF-style: chr16-89778962-G-A. GRCh37 (hg19) VCF-style: chr16-89845370-G-A.
Other names: c.1757C>T, p.Ala586Val (NM_001286167.3); short protein forms A586V.
Identifiers: ClinVar variation 2194680 (VCV002194680.5), dbSNP rs773498330, ClinGen allele CA286574232.